The following is an entry in ClinVar:

NM_007217.4(PDCD10):c.268+6G>A

Gene: PDCD10 (programmed cell death 10; minus strand). Cytogenetic location: 3q26.1.
Variant type: single nucleotide variant.
Coding change: c.268+6G>A on transcript NM_007217.4 (MANE Select); 6 bases into the intron after coding-DNA position 268, G replaced by A.
Molecular consequence: intron variant.
Genome position (GRCh38, 1-based): chr3:167,697,003, C>T on the plus strand (G>A on the coding strand, the complement: PDCD10 is on the minus strand). VCF-style: chr3-167697003-C-T. GRCh37 (hg19) VCF-style: chr3-167414791-C-T.
Other names: c.268+6G>A (NM_145860.2, NM_145859.2).
Identifiers: ClinVar variation 951705 (VCV000951705.9), dbSNP rs777634962, ClinGen allele CA2694624.

ClinVar aggregate classification (germline): Uncertain significance (1 of 4 stars; one submission).

Conditions:
Cerebral cavernous malformation 3. Also called: Familial Cerebral Cavernous Malformation 3. Identifiers: Orphanet 221061, MedGen C1864040, MONDO:0011305, OMIM 603285.

Allele frequency attached by ClinVar (database versions not stated): ExAC 0.00002; gnomAD exomes 0.00004 and 0.00005; TOPMed 0.00006; gnomAD 0.00007 and 0.00008.
gnomAD v4.1: 71 of 1,394,452 alleles (0.0051%); highest among the groups gnomAD compares: Middle Eastern, 0.12%; no homozygotes.

Submission:

Labcorp Genetics (formerly Invitae), Labcorp
Classification: Uncertain significance for Cerebral cavernous malformation 3. Last evaluated: 2022-07-06. Review status: criteria provided, single submitter. Criteria: Invitae Variant Classification Sherloc (09022015). Collection method: clinical testing. Allele origin: germline.
Comment: ClinVar contains an entry for this variant (Variation ID: 951705). This variant has not been reported in the literature in individuals affected with PDCD10-related conditions. This variant is present in population databases (rs777634962, gnomAD 0.01%). This sequence change falls in intron 4 of the PDCD10 gene. It does not directly change the encoded amino acid sequence of the PDCD10 protein. It affects a nucleotide within the consensus splice site. Variants that disrupt the consensus splice site are a relatively common cause of aberrant splicing (PMID: 17576681, 9536098). Algorithms developed to predict the effect of sequence changes on RNA splicing suggest that this variant is not likely to affect RNA splicing. In summary, the available evidence is currently insufficient to determine the role of this variant in disease. Therefore, it has been classified as a Variant of Uncertain Significance.

Literature cited by the submitters: PubMed 17576681; PubMed 9536098.